The following is an entry in ClinVar:

NM_001042492.3(NF1):c.5609+2T>C

Gene: NF1 (neurofibromin 1; plus strand). Cytogenetic location: 17q11.2.
Variant type: single nucleotide variant.
Coding change: c.5609+2T>C on transcript NM_001042492.3 (MANE Select); the canonical splice donor site of the intron after coding-DNA position 5609, T replaced by C.
Molecular consequence: splice donor variant.
Genome position (GRCh38, 1-based): chr17:31,327,841, T>C. VCF-style: chr17-31327841-T-C. GRCh37 (hg19) VCF-style: chr17-29654859-T-C.
Other names: c.5546+2T>C (NM_000267.4).
Identifiers: ClinVar variation 2736560 (VCV002736560.4), dbSNP rs2069386858, ClinGen allele CA399010081.
Genomic context (GRCh38, chr17:31,327,841, plus strand): 5'-CCTGGGACACTGCTCAATATCGCATTACTTAATTTAGGCAGTTCTGACCCGAGTTTACGG[T>C]AGGTTTTTTAAAATTCTCTTCAGTTTGATTTGGGGTTTGTTGCTTTTAAAATGAGACCAT-3'

ClinVar aggregate classification (germline): Pathogenic. Review status: criteria provided, multiple submitters, no conflicts (2 of 4 stars). 2 submissions from 2 submitters: Pathogenic (2). Last evaluated 2024-05-13.

Conditions:
NF1-related disorder. Also called: NF1-related condition. Identifiers: MedGen CN379171.
Neurofibromatosis, type 1 (NF1). Also called: Neurofibromatosis, type I; Peripheral type neurofibromatosis; VON RECKLINGHAUSEN DISEASE; NEUROFIBROMATOSIS, TYPE I, SOMATIC. Identifiers: Orphanet 636, MedGen C0027831, MONDO:0018975, OMIM 162200. Disease mechanism: loss of function.

Submissions (2):

Rady Children's Institute for Genomic Medicine, Rady Children's Hospital San Diego
Classification: Pathogenic for NF1-related disorders. Last evaluated: 2024-05-13. Review status: criteria provided, single submitter. Criteria: ACMG Guidelines, 2015. Collection method: clinical testing. Allele origin: germline. Affected: yes.
Comment: This variant affects the canonical splice donor site of intron 38 and is therefore predicted to interfere with splicing and result in loss of normal protein function through either protein truncation or nonsense-mediated mRNA decay. Loss-of-function variation in NF1 is an established mechanism of disease (PMID: 10712197). This variant has been previously reported as a heterozygous change in a patient with NF1-related disorders (PMID: 21354044). The c.5609+2T>C variant is absent from the gnomAD v4 population database and thus is presumed to be rare. Analysis of the parental samples was negative for the variant, indicating this variant likely occurred as a de novo event. Based on the available evidence, c.5609+2T>C is classified as Pathogenic.

Labcorp Genetics (formerly Invitae), Labcorp
Classification: Pathogenic for Neurofibromatosis, type 1. Last evaluated: 2023-08-18. Review status: criteria provided, single submitter. Criteria: Invitae Variant Classification Sherloc (09022015). Collection method: clinical testing. Allele origin: germline.
Comment: Disruption of this splice site has been observed in individuals with neurofibromatosis, type 1 (PMID: 10712197, 21354044). Algorithms developed to predict the effect of sequence changes on RNA splicing suggest that this variant may disrupt the consensus splice site. For these reasons, this variant has been classified as Pathogenic. This variant is not present in population databases (gnomAD no frequency). This sequence change affects a donor splice site in intron 37 of the NF1 gene. It is expected to disrupt RNA splicing. Variants that disrupt the donor or acceptor splice site typically lead to a loss of protein function (PMID: 16199547), and loss-of-function variants in NF1 are known to be pathogenic (PMID: 10712197, 23913538).

Literature cited by the submitters: PubMed 10712197 (cited by Labcorp Genetics (formerly Invitae), Labcorp); PubMed 21354044 (cited by Labcorp Genetics (formerly Invitae), Labcorp); PubMed 16199547 (cited by Labcorp Genetics (formerly Invitae), Labcorp); PubMed 23913538 (cited by Labcorp Genetics (formerly Invitae), Labcorp).